The following is an entry in ClinVar:

NM_000018.4(ACADVL):c.342+2dup

Gene: ACADVL (acyl-CoA dehydrogenase very long chain; plus strand). Cytogenetic location: 17p13.1.
Variant type: Duplication.
Coding change: c.342+2dup on transcript NM_000018.4 (MANE Select); the canonical splice donor site of the intron after coding-DNA position 342, one base duplicated (T; older notation c.342+2dupT).
Molecular consequence: splice donor variant.
Genome position (GRCh38, 1-based): chr17:7,220,832, T duplicated. VCF-style (leftmost placement, unchanged base first): chr17-7220831-G-GT. GRCh37 (hg19) VCF-style: chr17-7124150-G-GT.
Other names: c.114+2dup (NM_001270448.2); c.276+2dup (NM_001033859.3); c.411+2dup (NM_001270447.2).
Identifiers: ClinVar variation 3766790 (VCV003766790.1).

ClinVar aggregate classification (germline): Uncertain significance (1 of 4 stars; one submission).

Conditions:
Very long chain acyl-CoA dehydrogenase deficiency (ACADVLD). Also called: Very Long-Chain Acyl-Coenzyme A Dehydrogenase Deficiency; VLCAD Deficiency. Identifiers: Orphanet 26793, MedGen C3887523, MONDO:0008723, OMIM 201475.

Submission:

ARUP Laboratories, Molecular Genetics and Genomics, ARUP Laboratories
Classification: Uncertain significance for Very long chain acyl-CoA dehydrogenase deficiency. Last evaluated: 2024-08-17. Review status: criteria provided, single submitter. Criteria: ARUP Molecular Germline Variant Investigation Process 2024. Collection method: clinical testing. Allele origin: germline.
Comment: The ACADVL c.342+2dup variant, to our knowledge, is not reported in the medical literature or gene specific databases. This variant is also absent from the Genome Aggregation Database (v2.1.1), indicating it is not a common polymorphism. This is an intronic variant and computational analyses (Alamut Visual Plus v.1.5.1) predict that this variant may impact splicing by weakening the nearby canonical donor splice site. Due to limited information, the clinical significance of this variant is uncertain at this time.